The following is an entry in ClinVar:

NM_004577.4(PSPH):c.276-2A>G

Gene: PSPH (phosphoserine phosphatase; minus strand). Cytogenetic location: 7p11.2.
Variant type: single nucleotide variant.
Coding change: c.276-2A>G on transcript NM_004577.4 (MANE Select); the canonical splice acceptor site of the intron before coding-DNA position 276, A replaced by G.
Molecular consequence: splice acceptor variant.
Genome position (GRCh38, 1-based): chr7:56,017,381, T>C on the plus strand (A>G on the coding strand, the complement: PSPH is on the minus strand). VCF-style: chr7-56017381-T-C. GRCh37 (hg19) VCF-style: chr7-56085074-T-C.
Other names: c.276-2A>G (NM_001370513.1, NM_001370514.1, NM_001370509.1 and 17 more transcripts).
Identifiers: ClinVar variation 2111906 (VCV002111906.4), dbSNP rs2534874304, ClinGen allele CA367596210.

ClinVar aggregate classification (germline): Uncertain significance (1 of 4 stars; one submission).

Conditions:
Deficiency of phosphoserine phosphatase (PSPHD). Also called: Phosphoserine phosphatase deficiency; PSPH deficiency. Identifiers: Orphanet 79350, MedGen C1291463, MONDO:0013531, OMIM 614023.

Submission:

Labcorp Genetics (formerly Invitae), Labcorp
Classification: Uncertain significance for Deficiency of phosphoserine phosphatase. Last evaluated: 2022-03-14. Review status: criteria provided, single submitter. Criteria: Invitae Variant Classification Sherloc (09022015). Collection method: clinical testing. Allele origin: germline.
Comment: This sequence change affects an acceptor splice site in intron 5 of the PSPH gene. It is expected to disrupt RNA splicing. Variants that disrupt the donor or acceptor splice site typically lead to a loss of protein function (PMID: 16199547), however the current clinical and genetic evidence is not sufficient to establish whether loss-of-function variants in PSPH cause disease. This variant is not present in population databases (gnomAD no frequency). This variant has not been reported in the literature in individuals affected with PSPH-related conditions. Algorithms developed to predict the effect of sequence changes on RNA splicing suggest that this variant may disrupt the consensus splice site. In summary, the available evidence is currently insufficient to determine the role of this variant in disease. Therefore, it has been classified as a Variant of Uncertain Significance.

Literature cited by the submitters: PubMed 16199547.